The following is an entry in ClinVar:

NM_000097.7(CPOX):c.348G>C (p.Pro116=)

Genes: CPOX (coproporphyrinogen oxidase; minus strand), LOC129937121 (ATAC-STARR-seq lymphoblastoid silent region 14560; plus strand). Cytogenetic location: 3q11.2.
Variant type: single nucleotide variant.
Coding change: c.348G>C on transcript NM_000097.7 (MANE Select); coding-DNA position 348, G replaced by C.
Protein change: p.Pro116=; no amino-acid change (proline 116 retained).
Molecular consequence: synonymous variant.
Genome position (GRCh38, 1-based): chr3:98,593,157, C>G on the plus strand (G>C on the coding strand, the complement: CPOX is on the minus strand). VCF-style: chr3-98593157-C-G. GRCh37 (hg19) VCF-style: chr3-98312001-C-G.
Other names: c.348G>C, p.Pro116= (LRG_1077t1).
Identifiers: ClinVar variation 346985 (VCV000346985.8), dbSNP rs140566686, ClinGen allele CA2511723.

ClinVar aggregate classification (germline): Conflicting classifications of pathogenicity. Review status: criteria provided, conflicting classifications (1 of 4 stars). 3 submissions from 3 submitters: Uncertain significance (1); Likely benign (1). 1 of the submissions does not count toward it. Last evaluated 2023-12-08.

Conditions:
CPOX-related disorder. Also called: CPOX-related disorders; CPOX-related condition.
Hereditary coproporphyria (HCP). Also called: Hereditary coproporphyria porphyria; Porphyria hepatica coproporphyria; Porphyria hepatica II; CPRO deficiency; COPROPORPHYRINOGEN OXIDASE DEFICIENCY; CPO DEFICIENCY. Identifiers: Orphanet 79273, MedGen C0162531, MONDO:0007369, OMIM 121300.

Allele frequency attached by ClinVar (database versions not stated): gnomAD 0.00001; gnomAD exomes 0.00003 and 0.00004; ExAC 0.00004; TOPMed 0.00005; ESP Exome Variant Server 0.00008.
gnomAD v4.1: 54 of 1,612,006 alleles (0.0033%); highest among the groups gnomAD compares: Middle Eastern, 0.033%; no homozygotes.

Submissions (3):

Blueprint Genetics
Classification: Likely benign. Last evaluated: 2023-12-08. Review status: criteria provided, single submitter. Criteria: ACMG Guidelines, 2015. Collection method: clinical testing. Allele origin: germline.

Illumina Laboratory Services, Illumina
Classification: Uncertain significance for Hereditary coproporphyria. Last evaluated: 2018-01-12. Review status: criteria provided, single submitter. Criteria: ICSL Variant Classification Criteria 13 December 2019. Collection method: clinical testing. Allele origin: germline.

PreventionGenetics, part of Exact Sciences
Classification: Likely benign for CPOX-related condition. Last evaluated: 2019-06-25. Review status: no assertion criteria provided. Collection method: clinical testing. Allele origin: germline. Not counted in ClinVar's aggregate classification.
Comment: This variant is classified as likely benign based on ACMG/AMP sequence variant interpretation guidelines (Richards et al. 2015 PMID: 25741868, with internal and published modifications).